The following is an entry in ClinVar:

NM_001376.5(DYNC1H1):c.319A>G (p.Ile107Val)

Gene: DYNC1H1 (dynein cytoplasmic 1 heavy chain 1; plus strand). Cytogenetic location: 14q32.31.
Variant type: single nucleotide variant.
Coding change: c.319A>G on transcript NM_001376.5 (MANE Select); coding-DNA position 319, A replaced by G.
Protein change: p.Ile107Val; replaces isoleucine 107 with valine.
Molecular consequence: missense variant.
Genome position (GRCh38, 1-based): chr14:101,975,774, A>G. VCF-style: chr14-101975774-A-G. GRCh37 (hg19) VCF-style: chr14-102442111-A-G.
Other names: short protein forms I107V.
Identifiers: ClinVar variation 1728758 (VCV001728758.2), dbSNP rs1358971449, ClinGen allele CA391006354.

ClinVar aggregate classification (germline): Uncertain significance (1 of 4 stars; one submission).

Conditions:
Inborn genetic diseases. Identifiers: MedGen C0950123, MeSH D030342.

Allele frequency attached by ClinVar (database versions not stated): gnomAD exomes below 0.00001; gnomAD 0.00001.
gnomAD v4.1: 6 of 1,613,380 alleles (0.00037%); highest among the groups gnomAD compares: Non-Finnish European, 0.00051%; no homozygotes.

Submission:

Ambry Genetics
Classification: Uncertain significance for Inborn genetic diseases. Last evaluated: 2022-05-21. Review status: criteria provided, single submitter. Criteria: Ambry Variant Classification Scheme 2023. Collection method: clinical testing. Allele origin: germline.
Comment: The p.I107V variant (also known as c.319A>G), located in coding exon 2 of the DYNC1H1 gene, results from an A to G substitution at nucleotide position 319. The isoleucine at codon 107 is replaced by valine, an amino acid with highly similar properties. This amino acid position is conserved. In addition, this alteration is predicted to be tolerated by in silico analysis. Since supporting evidence is limited at this time, the clinical significance of this alteration remains unclear.